The following is an entry in ClinVar:

NM_000540.3(RYR1):c.1801G>C (p.Val601Leu)

Gene: RYR1 (ryanodine receptor 1; plus strand). Cytogenetic location: 19q13.2.
Variant type: single nucleotide variant.
Coding change: c.1801G>C on transcript NM_000540.3 (MANE Select); coding-DNA position 1801, G replaced by C.
Protein change: p.Val601Leu; replaces valine 601 with leucine.
Molecular consequence: missense variant.
Genome position (GRCh38, 1-based): chr19:38,457,506, G>C. VCF-style: chr19-38457506-G-C. GRCh37 (hg19) VCF-style: chr19-38948146-G-C.
Other names: c.1801G>C, p.Val601Leu (NM_001042723.2); short protein forms V601L.
Identifiers: ClinVar variation 3071610 (VCV003071610.2), dbSNP rs745511934, ClinGen allele CA405693625.
Genomic context (GRCh38, chr19:38,457,506, plus strand): 5'-GATCCTGCCCTGGTGCCTACACACCCTTTAACCTCTGACCTTGACCTCTAGGTCCTGGAC[G>C]TGCTATGCTCCCTGTGTGTGTGTAATGGTGTGGCTGTACGCTCCAACCAAGATCTTATTA-3'
Protein context (NP_000531.2, residues 591-611): KHGRNHKVLD[Val601Leu]LCSLCVCNGV

ClinVar aggregate classification (germline): Uncertain significance. Review status: criteria provided, multiple submitters, no conflicts (2 of 4 stars). 2 submissions from 2 submitters: Uncertain significance (2). Last evaluated 2025-02-20.

Conditions:
Inborn genetic diseases. Identifiers: MedGen C0950123, MeSH D030342.
Malignant hyperthermia, susceptibility to, 1 (MHS1). Also called: Anesthesia related hyperthermia; Malignant hyperpyrexia; Fulminating hyperpyrexia; Pharmacogenic myopathy; RYR1-Related Malignant Hyperthermia Susceptibility; Malignant hyperthermia suceptibility 1. Identifiers: Orphanet 423, MedGen C2930980, MONDO:0007783, OMIM 145600.

gnomAD v4.1: 2 of 1,614,020 alleles (0.00012%); highest among the groups gnomAD compares: Non-Finnish European, 0.00017%; no homozygotes.

Submissions (2):

Ambry Genetics
Classification: Uncertain significance for Inborn genetic diseases. Last evaluated: 2025-02-20. Review status: criteria provided, single submitter. Criteria: Ambry Variant Classification Scheme 2023. Collection method: clinical testing. Allele origin: germline.

All of Us Research Program, National Institutes of Health
Classification: Uncertain significance for Malignant hyperthermia, susceptibility to, 1. Last evaluated: 2023-08-28. Review status: criteria provided, single submitter. Criteria: ACMG Guidelines, 2015. Collection method: clinical testing. Allele origin: germline. Inheritance: Autosomal dominant inheritance. Observed: 2 variant alleles, 2 heterozygotes.
Comment: This missense variant replaces valine with leucine at codon 601 of the RYR1 protein. Computational prediction suggests that this variant may have deleterious impact on protein structure and function (internally defined REVEL score threshold >= 0.7, PMID: 27666373). To our knowledge, functional studies have not been reported for this variant. This variant has not been reported in individuals affected with RYR1-related disorders in the literature. This variant has been identified in 1/251496 chromosomes in the general population by the Genome Aggregation Database (gnomAD). The available evidence is insufficient to determine the role of this variant in disease conclusively. Therefore, this variant is classified as a Variant of Uncertain Significance.

This study involves interpretation of variants in research participants for the purpose of population health screening. Participant phenotype was not available at the time of variant classification. Additional details can be found in publication PMID: 35346344, PMCID: PMC8962531